The following is an entry in ClinVar:

ClinVar aggregate classification (germline): Uncertain significance. Review status: criteria provided, multiple submitters, no conflicts (2 of 4 stars). 2 submissions from 2 submitters: Uncertain significance (2). Last evaluated 2026-01-02.

Conditions:
Inborn genetic diseases. Identifiers: MedGen C0950123, MeSH D030342.
Maple syrup urine disease type 1A (MSUD1A). Also called: MSUD type 1A. Identifiers: MedGen C1855369, MONDO:0023691, OMIM 248600.

gnomAD v4.1: 20 of 1,605,422 alleles (0.0012%); highest among the groups gnomAD compares: Admixed American, 0.0034%; no homozygotes.

Submissions (2):

Myriad Genetics, Inc.
Classification: Uncertain significance for Maple syrup urine disease type 1A. Last evaluated: 2026-01-02. Review status: criteria provided, single submitter. Criteria: Myriad Autosomal Dominant, Autosomal Recessive and X-Linked Classification Criteria (2023). Collection method: clinical testing. Allele origin: unknown.
Comment: NM_000709.3(BCKDHA):c.1040C>T(S347L) is a missense variant classified as a variant of uncertain significance in the context of maple syrup urine disease type Ia. S347L has not been observed in cases with relevant disease. Relevant functional assessments of this variant are not available in the literature. S347L has been observed in referenced population frequency databases. In summary, there is insufficient evidence to classify NM_000709.3(BCKDHA):c.1040C>T(S347L) as pathogenic or benign. Please note: this variant was assessed in the context of healthy population screening.

Ambry Genetics
Classification: Uncertain significance for Inborn genetic diseases. Last evaluated: 2025-03-26. Review status: criteria provided, single submitter. Criteria: Ambry Variant Classification Scheme 2023. Collection method: clinical testing. Allele origin: germline.

NM_000709.4(BCKDHA):c.1040C>T (p.Ser347Leu)

Gene: BCKDHA (branched chain keto acid dehydrogenase E1 subunit alpha; plus strand). Cytogenetic location: 19q13.2.
Variant type: single nucleotide variant.
Coding change: c.1040C>T on transcript NM_000709.4 (MANE Select); coding-DNA position 1040, C replaced by T.
Protein change: p.Ser347Leu; replaces serine 347 with leucine.
Molecular consequence: missense variant.
Genome position (GRCh38, 1-based): chr19:41,423,042, C>T. VCF-style: chr19-41423042-C-T. GRCh37 (hg19) VCF-style: chr19-41928947-C-T.
Other names: c.1037C>T, p.Ser346Leu (NM_001164783.2); short protein forms S346L, S347L.
Identifiers: ClinVar variation 3990963 (VCV003990963.2).